The following is an entry in ClinVar:

NM_000138.5(FBN1):c.3838G>A (p.Asp1280Asn)

Gene: FBN1 (fibrillin 1; minus strand). Cytogenetic location: 15q21.1.
Variant type: single nucleotide variant.
Coding change: c.3838G>A on transcript NM_000138.5 (MANE Select); coding-DNA position 3838, G replaced by A.
Protein change: p.Asp1280Asn; replaces aspartic acid 1280 with asparagine.
Molecular consequence: missense variant.
Genome position (GRCh38, 1-based): chr15:48,483,818, C>T on the plus strand (G>A on the coding strand, the complement: FBN1 is on the minus strand). VCF-style: chr15-48483818-C-T. GRCh37 (hg19) VCF-style: chr15-48776015-C-T.
Other names: p.D1280N:GAT>AAT; short protein forms D1280N.
Identifiers: ClinVar variation 200025 (VCV000200025.8), dbSNP rs794728210, ClinGen allele CA014572.
Genomic context (GRCh38, chr15:48,483,818, plus strand): 5'-TAATTTAACAGTGCTTATGACTAACAAGACAAGATGAAAAATTCTGTCTTCTTTGCTTAC[C>T]TACACAAGTCTTCATGTCTTCAGATGCCATGAATCCATCATAACACAAGCACCTGTACTC-3'
Protein context (NP_000129.3, residues 1270-1290): MASEDMKTCV[Asp1280Asn]VNECDLNPNI

ClinVar aggregate classification (germline): Likely pathogenic. Review status: criteria provided, multiple submitters, no conflicts (2 of 4 stars). 4 submissions from 4 submitters: Likely pathogenic (4). Last evaluated 2024-03-13.

Conditions:
Marfan syndrome (MFS). Also called: Marfan syndrome, classic; FBN1-Related Marfan Syndrome; Marfan syndrome type 1; Marfan's syndrome; MARFAN SYNDROME, TYPE I. Identifiers: Orphanet 284963, Orphanet 558, MedGen C0024796, MONDO:0007947, OMIM 154700.
Familial thoracic aortic aneurysm and aortic dissection (TAAD). Also called: Thoracic aortic aneurysms and dissections. Identifiers: Orphanet 91387, MedGen C4707243, MONDO:0019625.

Submissions (4):

3billion
Classification: Likely pathogenic for Marfan syndrome. Last evaluated: 2024-03-13. Review status: criteria provided, single submitter. Criteria: ACMG Guidelines, 2015. Collection method: clinical testing. Allele origin: germline. Affected: yes.
Comment: The variant is not observed in the gnomAD v2.1.1 dataset. Predicted Consequence/Location: Missense variant In silico tool predictions suggest damaging effect of the variant on gene or gene product [REVEL: 0.71 (>=0.6, sensitivity 0.68 and specificity 0.92); 3Cnet: 0.96 (>=0.6, sensitivity 0.72 and precision 0.9)]. Same nucleotide change resulting in same amino acid change has been previously reported as pathogenic/likely pathogenic with strong evidence (ClinVar ID: VCV000200025 /PMID: 27906200). A different missense change at the same codon (p.Asp1280Val) has been reported to be associated with FBN1 related disorder (ClinVar ID: VCV000549189). Therefore, this variant is classified as Likely pathogenic according to the recommendation of ACMG/AMP guideline.

Labcorp Genetics (formerly Invitae), Labcorp
Classification: Likely pathogenic for Marfan syndrome; Familial thoracic aortic aneurysm and aortic dissection. Last evaluated: 2023-09-10. Review status: criteria provided, single submitter. Criteria: Invitae Variant Classification Sherloc (09022015). Collection method: clinical testing. Allele origin: germline.
Comment: In summary, the currently available evidence indicates that the variant is pathogenic, but additional data are needed to prove that conclusively. Therefore, this variant has been classified as Likely Pathogenic. Variants that disrupt the consensus splice site are a relatively common cause of aberrant splicing (PMID: 17576681, 9536098). Algorithms developed to predict the effect of sequence changes on RNA splicing suggest that this variant may disrupt the consensus splice site. An algorithm developed to predict the effect of missense changes on protein structure and function (PolyPhen-2) suggests that this variant is likely to be disruptive. ClinVar contains an entry for this variant (Variation ID: 200025). This missense change has been observed in individuals with clinical features of Marfan syndrome (PMID: 27906200, 31163209; Invitae). This variant is not present in population databases (gnomAD no frequency). This sequence change replaces aspartic acid, which is acidic and polar, with asparagine, which is neutral and polar, at codon 1280 of the FBN1 protein (p.Asp1280Asn). This variant also falls at the last nucleotide of exon 31, which is part of the consensus splice site for this exon.

Institute of Human Genetics, University of Leipzig Medical Center
Classification: Likely pathogenic for Marfan syndrome. Last evaluated: 2020-01-22. Review status: criteria provided, single submitter. Criteria: ACMG Guidelines, 2015. Collection method: clinical testing. Allele origin: germline. Affected: yes. Observed: 1 variant allele.

GeneDx
Classification: Likely pathogenic. Last evaluated: 2014-06-01. Review status: criteria provided, single submitter. Criteria: GeneDx Variant Classification (06012015). Collection method: clinical testing. Allele origin: germline. Affected: yes.
Comment: p.Asp1280Asn (GAT>AAT): c.3838 G>A in exon 31 of the FBN1 gene (NM_000138.4)Furthermore, the D1280N variant was not observed in approximately 6,500 individuals of European and African American ancestry in the NHLBI Exome Sequencing Project, indicating it is not a common benign variant in these populations. The D1280N variant is a semi-conservative amino acid substitution, which may impact secondary protein structure as these residues differ in some properties. This substitution occurs at a position that is conserved across species. In silico analysis predicts this variant is probably damaging to the protein structure/function. Furthermore, missense mutations in nearby residues (C1278S, N1282S, C1284G, C1284R, C1284Y) have been reported in association with Marfan syndrome, supporting the functional importance of this region of the protein.Therefore, this variant is a strong candidate for a pathogenic mutation. However, the possibility that it is a benign variant cannot be excluded. The variant is found in TAAD panel(s).

Literature cited by the submitters: PubMed 27906200 (cited by 3billion and Labcorp Genetics (formerly Invitae), Labcorp); PubMed 17576681 (cited by Labcorp Genetics (formerly Invitae), Labcorp); PubMed 9536098 (cited by Labcorp Genetics (formerly Invitae), Labcorp); PubMed 31163209 (cited by Labcorp Genetics (formerly Invitae), Labcorp).